The following is an entry in ClinVar:

ClinVar aggregate classification (germline): Uncertain significance (1 of 4 stars; one submission).

Submission:

Labcorp Genetics (formerly Invitae), Labcorp
Classification: Uncertain significance. Last evaluated: 2024-06-30. Review status: criteria provided, single submitter. Criteria: Invitae Variant Classification Sherloc (09022015). Collection method: clinical testing. Allele origin: germline.
Comment: This sequence change replaces proline, which is neutral and non-polar, with leucine, which is neutral and non-polar, at codon 1340 of the NEXMIF protein (p.Pro1340Leu). This variant is not present in population databases (gnomAD no frequency). This variant has not been reported in the literature in individuals affected with NEXMIF-related conditions. An algorithm developed to predict the effect of missense changes on protein structure and function (PolyPhen-2) suggests that this variant is likely to be disruptive. In summary, the available evidence is currently insufficient to determine the role of this variant in disease. Therefore, it has been classified as a Variant of Uncertain Significance.

NM_001008537.3(NEXMIF):c.4019C>T (p.Pro1340Leu)

Gene: NEXMIF (neurite extension and migration factor; minus strand). Cytogenetic location: Xq13.3.
Variant type: single nucleotide variant.
Coding change: c.4019C>T on transcript NM_001008537.3 (MANE Select); coding-DNA position 4019, C replaced by T.
Protein change: p.Pro1340Leu; replaces proline 1340 with leucine.
Molecular consequence: missense variant.
Genome position (GRCh38, 1-based): chrX:74,740,538, G>A on the plus strand (C>T on the coding strand, the complement: NEXMIF is on the minus strand). VCF-style: chrX-74740538-G-A. GRCh37 (hg19) VCF-style: chrX-73960373-G-A.
Other names: short protein forms P1340L.
Identifiers: ClinVar variation 3658279 (VCV003658279.2).